The following is an entry in ClinVar:

NM_013275.6(ANKRD11):c.6485dup (p.Pro2163fs)

Gene: ANKRD11 (ankyrin repeat domain 11; minus strand). Cytogenetic location: 16q24.3.
Variant type: Duplication.
Coding change: c.6485dup on transcript NM_013275.6 (MANE Select); coding-DNA position 6485, one base duplicated (C; older notation c.6485dupC).
Protein change: p.Pro2163fs; shifts the reading frame from proline 2163.
Molecular consequence: frameshift variant.
Genome position (GRCh38, 1-based): chr16:89,280,057, G duplicated on the plus strand (C on the coding strand, the reverse complement: ANKRD11 is on the minus strand); the first of 2 consecutive G bases (chr16:89,280,057-89,280,058); duplicating either gives the same sequence. VCF-style (leftmost placement, unchanged base first): chr16-89280056-A-AG. GRCh37 (hg19) VCF-style: chr16-89346464-A-AG.
Other names: c.6485dup, p.Pro2163fs (NM_001256182.2, NM_001256183.2); short protein forms P2163fs.
Identifiers: ClinVar variation 4819341 (VCV004819341.1).

ClinVar aggregate classification (germline): Likely pathogenic (1 of 4 stars; one submission).

Conditions:
KBG syndrome (KBGS). Also called: ANKRD11-Related KBG Syndrome. Identifiers: Orphanet 2332, MedGen C0220687, MONDO:0007846, OMIM 148050.

Submission:

Clinical Biomedical Laboratory, Shriners Hospital For Children - Canada
Classification: Likely pathogenic for KBG syndrome. Review status: criteria provided, single submitter. Criteria: ACMG Guidelines, 2015. Collection method: clinical testing. Allele origin: germline. Affected: yes.
Comment: This variant is predicted to cause a frameshift and introduce a premature stop codon leading to a loss of function of the affected allele. This variant is absent from the Genome Aggregation Database, v2.1.1, indicating it is very rare. Variants causing a premature termination codon in ANKRD11 are a known cause of KBG syndrome, which has considerable overlap with the phenotype of the proband. Based on the ACMG variant interpretation guidelines, the available evidence supports classification of this variant as likely pathogenic.